The following is an entry in ClinVar:

ClinVar aggregate classification (germline): Uncertain significance (1 of 4 stars; one submission).

Allele frequency attached by ClinVar (database versions not stated): TOPMed 0.00001; gnomAD exomes below 0.00001; gnomAD 0.00006 and 0.00002.
gnomAD v4.1: 12 of 1,614,014 alleles (0.00074%); highest among the groups gnomAD compares: Non-Finnish European, 0.00093%; no homozygotes.

Submission:

GeneDx
Classification: Uncertain significance. Last evaluated: 2016-12-23. Review status: criteria provided, single submitter. Criteria: GeneDx Variant Classification (06012015). Collection method: clinical testing. Allele origin: germline. Affected: yes.
Comment: The S268I variant in the FSHR gene has not been reported previously as a pathogenic variant, nor as a benign variant, to our knowledge. The S268I variant was not observed in approximately 6,500 individuals of European and African American ancestry in the NHLBI Exome Sequencing Project, indicating it is not a common benign variant in these populations. The S268I variant is a non-conservative amino acid substitution, which is likely to impact secondary protein structure as these residues differ in polarity, charge, size and/or other properties. This substitution occurs at a position where amino acids with similar properties to Serine are tolerated across species. In silico analysis is inconsistent in its predictions as to whether or not the variant is damaging to the protein structure/function. We interpret S268I as a variant of uncertain significance.

NM_000145.4(FSHR):c.803G>T (p.Ser268Ile)

Gene: FSHR (follicle stimulating hormone receptor; minus strand). Cytogenetic location: 2p16.3.
Variant type: single nucleotide variant.
Coding change: c.803G>T on transcript NM_000145.4 (MANE Select); coding-DNA position 803, G replaced by T.
Protein change: p.Ser268Ile; replaces serine 268 with isoleucine.
Molecular consequence: missense variant.
Genome position (GRCh38, 1-based): chr2:48,968,749, C>A on the plus strand (G>T on the coding strand, the complement: FSHR is on the minus strand). VCF-style: chr2-48968749-C-A. GRCh37 (hg19) VCF-style: chr2-49195888-C-A.
Other names: c.725G>T, p.Ser242Ile (NM_181446.3); short protein forms S268I, S242I.
Identifiers: ClinVar variation 391834 (VCV000391834.2), dbSNP rs1057524255, ClinGen allele CA16604316.
Genomic context (GRCh38, chr2:48,968,749, plus strand): 5'-TGGACTCACATTTGCCGTCTCCAGTTTGCAAAGGCACAGCAATGGCTGGGATAGGTGAGG[C>A]TGGCTTCCATGAGGGCGACAAGCTTTTCCAGAGTAGGCAGCTTTTTTAAGTTGTAAGTCG-3'
Protein context (NP_000136.2, residues 258-278): LEKLVALMEA[Ser268Ile]LTYPSHCCAF